The following is an entry in ClinVar:

NM_001114753.3(ENG):c.511C>T (p.Arg171Ter)

Gene: ENG (endoglin; minus strand). Cytogenetic location: 9q34.11.
Variant type: single nucleotide variant.
Coding change: c.511C>T on transcript NM_001114753.3 (MANE Select); coding-DNA position 511, C replaced by T.
Protein change: p.Arg171Ter; replaces arginine 171 with a stop codon.
Molecular consequence: nonsense. On other transcripts: 5 prime UTR variant (1).
Genome position (GRCh38, 1-based): chr9:127,826,522, G>A on the plus strand (C>T on the coding strand, the complement: ENG is on the minus strand). VCF-style: chr9-127826522-G-A. GRCh37 (hg19) VCF-style: chr9-130588801-G-A.
Other names: c.511C>T, p.Arg171Ter (NM_000118.4, NM_001406715.1); c.-36C>T (NM_001278138.2); short protein forms R171*.
Identifiers: ClinVar variation 439644 (VCV000439644.28), dbSNP rs1554810490, ClinGen allele CA374984114.
Genomic context (GRCh38, chr9:127,826,522, plus strand): 5'-CCTCCTGAGCAGTATCATGAGCCCAGAGAGGTTGCTGGGGAAACTGACCTTGGCCCAGTC[G>A]GAGGAGGATGCTCTGGGGGTCATTCAGCTCAGCAGCAGAGGTGATGGGGCCCCTCTCAGC-3'

ClinVar aggregate classification (germline): Pathogenic. Review status: criteria provided, multiple submitters, no conflicts (2 of 4 stars). 12 submissions from 12 submitters: Pathogenic (11). 1 of the submissions does not count toward it. Last evaluated 2026-01-10.

Conditions:
Hereditary hemorrhagic telangiectasia (HHT). Also called: ORW DISEASE; Osler Weber Rendu syndrome; OSLER-RENDU-WEBER DISEASE; Osler hemorrhagic telangiectasia syndrome. Identifiers: Orphanet 774, MedGen C0039445, MONDO:0019180. Disease mechanism: loss of function.
Cardiovascular phenotype. Identifiers: MedGen CN230736.
ENG-related disorder. Also called: ENG-related condition; ENG-related disorders.
Telangiectasia, hereditary hemorrhagic, type 1 (HHT1). Also called: Osler Weber Rendu syndrome type 1; ENG-Related Hereditary Hemorrhagic Telangiectasia. Identifiers: Orphanet 774, MedGen C4551861, MONDO:0008535, OMIM 187300. Disease mechanism: loss of function.

Allele frequency attached by ClinVar (database versions not stated): gnomAD exomes below 0.00001.
gnomAD v4.1: 1 of 1,614,098 alleles (0.000062%); highest among the groups gnomAD compares: Non-Finnish European, 0.000085%; no homozygotes.

Submissions (12):

Labcorp Genetics (formerly Invitae), Labcorp
Classification: Pathogenic for Hereditary hemorrhagic telangiectasia. Last evaluated: 2026-01-10. Review status: criteria provided, single submitter. Criteria: Invitae Variant Classification Sherloc (09022015). Collection method: clinical testing. Allele origin: germline.
Comment: This sequence change creates a premature translational stop signal (p.Arg171*) in the ENG gene. It is expected to result in an absent or disrupted protein product. Loss-of-function variants in ENG are known to be pathogenic (PMID: 15879500). This variant is not present in population databases (gnomAD no frequency). This premature translational stop signal has been observed in individual(s) with hereditary hemorrhagic telangiectasia (PMID: 9245986, 12920067, 15024723, 15375013, 15849752). It has also been observed to segregate with disease in related individuals. ClinVar contains an entry for this variant (Variation ID: 439644). For these reasons, this variant has been classified as Pathogenic.

Ambry Genetics
Classification: Pathogenic for Cardiovascular phenotype. Last evaluated: 2025-10-07. Review status: criteria provided, single submitter. Criteria: Ambry Variant Classification Scheme 2023. Collection method: clinical testing. Allele origin: germline.
Comment: The p.R171* pathogenic mutation (also known as c.511C>T), located in coding exon 4 of the ENG gene, results from a C to T substitution at nucleotide position 511. This changes the amino acid from an arginine to a stop codon within coding exon 4. This variant was reported in individual(s) with features consistent with hereditary hemorrhagic telangiectasia and segregated with disease in at least one family (Lastella P et al. Clin. Genet., 2003 Jun;63:536-40; Lesca G et al. Hum. Mutat., 2004 Apr;23:289-99; Sanz-Rodriguez F et al. Clin Chem. 2004;50(11):2003-2011; Goldschmidt N et al. Int. J. Cancer, 2005 Sep;116:808-12; Lenato GM et al. Hum. Mutat., 2006 Feb;27:213-4; Bayrak-Toydemir P et al. Am. J. Med. Genet. A, 2006 Mar;140:463-70; Lee NP et al. J. Med. Genet., 2011 May;48:353-7; Ambry internal data). This variant is considered to be rare based on population cohorts in the Genome Aggregation Database (gnomAD). In addition to the clinical data presented in the literature, this alteration is expected to result in loss of function by premature protein truncation or nonsense-mediated mRNA decay. As such, this alteration is interpreted as a disease-causing mutation.

Mayo Clinic Laboratories, Mayo Clinic
Classification: Pathogenic. Last evaluated: 2025-04-08. Review status: criteria provided, single submitter. Criteria: ACMG Guidelines, 2015. Collection method: clinical testing. Allele origin: germline. Observed: 2 variant alleles.
Comment: PP1_strong, PM2_supporting, PS3_supporting, PS4_moderate, PVS1

Revvity Omics, Revvity
Classification: Pathogenic for Telangiectasia, hereditary hemorrhagic, type 1. Last evaluated: 2025-01-09. Review status: criteria provided, single submitter. Criteria: ACMG Guidelines, 2015. Collection method: clinical testing. Allele origin: germline.

Victorian Clinical Genetics Services, Murdoch Childrens Research Institute
Classification: Pathogenic for Telangiectasia, hereditary hemorrhagic, type 1. Last evaluated: 2024-12-12. Review status: criteria provided, single submitter. Criteria: ACMG Guidelines, 2015. Collection method: clinical testing. Allele origin: germline. Affected: yes.
Comment: This variant is classified as Pathogenic. Evidence in support of pathogenic classification: Variant is predicted to cause nonsense-mediated decay (NMD) and loss of protein (premature termination codon is located at least 54 nucleotides upstream of the final exon-exon junction); Variant is present in gnomAD <0.001 for a dominant condition (v4: 1 heterozygote(s), 0 homozygote(s)); This variant has strong previous evidence of pathogenicity in unrelated individuals. This variant has been classified as pathogenic by multiple clinical laboratories (ClinVar); Other NMD-predicted variant(s) comparable to the one identified in this case have very strong previous evidence for pathogenicity (DECIPHER). Additional information: This variant is heterozygous; This gene is associated with autosomal dominant disease; Dominant negative and loss of function are known mechanisms of disease in this gene and are associated with type 1 hereditary haemorrhagic telangiectasia (MIM#187300). Pathogenic missense variants have been demonstrated to have dominant negative and loss of function effects, while premature termination variants are associated with a loss of function mechanism (PMIDs: 25080347, 25312062); The condition associated with this gene has incomplete penetrance. Age-dependent penetrance has been reported, with the presence of one clinical manifestation approaching 100% by age 35 (ClinGen HHT expert panel); Variants in this gene are known to have variable expressivity. Clinical expression is highly variable with many affected individuals remaining undiagnosed (ClinGen HHT expert panel); Inheritance information for this variant is not currently available in this individual.

Blueprint Genetics
Classification: Pathogenic for ENG-related disorders. Last evaluated: 2023-10-26. Review status: criteria provided, single submitter. Criteria: ACMG Guidelines, 2015. Collection method: clinical testing. Allele origin: germline. Affected: yes. Observed: 5 variant alleles.

Genetics and Molecular Pathology, SA Pathology
Classification: Pathogenic for Telangiectasia, hereditary hemorrhagic, type 1. Last evaluated: 2022-02-25. Review status: criteria provided, single submitter. Criteria: ACMG Guidelines, 2015. Collection method: clinical testing. Allele origin: germline. Affected: yes.

GeneDx
Classification: Pathogenic. Last evaluated: 2021-12-08. Review status: criteria provided, single submitter. Criteria: GeneDx Variant Classification Process June 2021. Collection method: clinical testing. Allele origin: germline. Affected: yes.
Comment: Not observed in large population cohorts (Lek et al., 2016); Nonsense variant predicted to result in protein truncation or nonsense mediated decay in a gene for which loss-of-function is a known mechanism of disease; Published functional studies demonstrate that the variant results in premature mRNA degradation (Shovlin et al., 1997) and diminishes endoglin up-regulation in activated monocytes (Sanz-Rodriguez et al., 2004); Reported in ClinVar as pathogenic (ClinVar Variant ID# 439644; Landrum et al., 2016); This variant is associated with the following publications: (PMID: 16752392, 15024723, 12920067, 16470787, 16429404, 21415079, 16470589, 12786761, 15993872, 9245986, 15375013, 25525159, 32300199, 15849752)

3billion
Classification: Pathogenic for Telangiectasia, hereditary hemorrhagic, type 1. Last evaluated: 2021-10-02. Review status: criteria provided, single submitter. Criteria: ACMG Guidelines, 2015. Collection method: clinical testing. Allele origin: unknown. Affected: yes. Observed: 1 heterozygote.
Comment: Stop-gained (nonsense): predicted to result in a loss or disruption of normal protein function through nonsense-mediated decay (NMD) or protein truncation. Multiple pathogenic variants are reported downstream of the variant (PVS1_VS). It is not observed in the gnomAD v2.1.1 dataset (PM2). The variant has been reported as pathogenic (ClinVar ID: VCV000439644.5, PMID: 15375013). Therefore, this variant is classified as pathogenic according to the recommendation of ACMG/AMP guideline.

ARUP Laboratories, Molecular Genetics and Genomics, ARUP Laboratories
Classification: Pathogenic. Last evaluated: 2018-02-11. Review status: criteria provided, single submitter. Criteria: ARUP Molecular Germline Variant Investigation Process. Collection method: clinical testing. Allele origin: germline.
Comment: The ENG c.511C>T; p.Arg171Ter variant is reported in the literature in individuals and families affected with hereditary hemorrhagic telangiectasia (Berg 2003, Goldschmidt 2005, Lastella 2003, Lesca 2004, Sanz-Rodriguez 2004, Shovlin 1997). This variant is reported as pathogenic in ClinVar (Variation ID: 439644) and is absent from the general population databases (1000 Genomes Project, Exome Variant Server, Genome Aggregation Database), indicating it is not a common polymorphism. This variant induces an early termination codon and is predicted to result in a truncated protein or mRNA subject to nonsense-mediated decay. In vitro functional analyses demonstrate diminished upregulation of endoglin during monocyte activation (Sanz-Rodriguez 2004). Based on the above information, this variant is considered pathogenic. References: Berg J et al. Hereditary haemorrhagic telangiectasia: a questionnaire based study to delineate the different phenotypes caused by endoglin and ALK1 mutations. J Med Genet. 2003 Aug;40(8):585-90. Goldschmidt N et al. Association of hereditary hemorrhagic telangiectasia and hereditary nonpolyposis colorectal cancer in the same kindred. Int J Cancer. 2005 Sep 20;116(5):808-12. Lastella P et al. Endoglin gene mutations and polymorphisms in Italian patients with hereditary haemorrhagic telangiectasia. Clin Genet. 2003 Jun;63(6):536-40. Lesca G et al. Molecular screening of ALK1/ACVRL1 and ENG genes in hereditary hemorrhagic telangiectasia in France. Hum Mutat. 2004 Apr;23(4):289-99. Sanz-Rodriguez F et al. Mutation analysis in Spanish patients with hereditary hemorrhagic telangiectasia: deficient endoglin up-regulation in activated monocytes. Clin Chem. 2004 Nov;50(11):2003-11. Shovlin C et al. Characterization of endoglin and identification of novel mutations in hereditary hemorrhagic telangiectasia. Am J Hum Genet. 1997 Jul;61(1):68-79.

NIHR Bioresource Rare Diseases, University of Cambridge
Classification: Pathogenic for Telangiectasia, hereditary hemorrhagic, type 1. Last evaluated: 2018-01-01. Review status: criteria provided, single submitter. Criteria: ACMG Guidelines, 2015. Collection method: research. Allele origin: unknown. Affected: yes. Observed: 1 variant allele.
Comment: PVS1+PM2+PP4

PreventionGenetics, part of Exact Sciences
Classification: Pathogenic for ENG-related condition. Last evaluated: 2024-08-14. Review status: no assertion criteria provided. Collection method: clinical testing. Allele origin: germline. Not counted in ClinVar's aggregate classification.
Comment: The ENG c.511C>T variant is predicted to result in premature protein termination (p.Arg171*). This variant has been reported as pathogenic for hereditary hemorrhagic telangiectasia (Table S1 in McDonald et al. 2020. PubMed ID: 32300199). This variant has not been reported in a large population database, indicating this variant is rare. Nonsense variants in ENG are expected to be pathogenic. This variant is interpreted as pathogenic.

Literature cited by the submitters: PubMed 15879500 (cited by Labcorp Genetics (formerly Invitae), Labcorp); PubMed 9245986 (cited by Labcorp Genetics (formerly Invitae), Labcorp and Ambry Genetics); PubMed 12920067 (cited by 3 submitters); PubMed 15024723 (cited by 3 submitters); PubMed 15375013 (cited by 4 submitters); PubMed 15849752 (cited by 3 submitters); PubMed 12786761 (cited by Ambry Genetics and Mayo Clinic Laboratories, Mayo Clinic); PubMed 15993872 (cited by Ambry Genetics); PubMed 16429404 (cited by Ambry Genetics); PubMed 16470589 (cited by Ambry Genetics); PubMed 16470787 (cited by Ambry Genetics); PubMed 16752392 (cited by Ambry Genetics); PubMed 21415079 (cited by Ambry Genetics); PubMed 32573726 (cited by Mayo Clinic Laboratories, Mayo Clinic and NIHR Bioresource Rare Diseases, University of Cambridge); PubMed 25312062 (cited by Victorian Clinical Genetics Services, Murdoch Childrens Research Institute); PubMed 25080347 (cited by Victorian Clinical Genetics Services, Murdoch Childrens Research Institute).